The following is an entry in ClinVar:

NM_000036.3(AMPD1):c.1097G>A (p.Arg366His)

Gene: AMPD1 (adenosine monophosphate deaminase 1; minus strand). Cytogenetic location: 1p13.2.
Variant type: single nucleotide variant.
Coding change: c.1097G>A on transcript NM_000036.3 (MANE Select); coding-DNA position 1097, G replaced by A.
Protein change: p.Arg366His; replaces arginine 366 with histidine.
Molecular consequence: missense variant.
Genome position (GRCh38, 1-based): chr1:114,678,037, C>T on the plus strand (G>A on the coding strand, the complement: AMPD1 is on the minus strand). VCF-style: chr1-114678037-C-T. GRCh37 (hg19) VCF-style: chr1-115220658-C-T.
Other names: c.1085G>A, p.Arg362His (NM_001172626.2); short protein forms R366H, R362H.
Identifiers: ClinVar variation 1418919 (VCV001418919.8), dbSNP rs372451247, ClinGen allele CA1020212.
Genomic context (GRCh38, chr1:114,678,037, plus strand): 5'-TCACTTGCTCCTACAGGATTATATTTGTCATTGAACTTATCAAAACGCTGGAAGGTCTGG[C>T]GTCCCTGAATCAGGAAAAAAGAGCAGAGATGTATTATTACCAGAGCTGTCTGGACAGAGA-3'
Protein context (NP_000027.3, residues 356-376): TVDSLDVHAG[Arg366His]QTFQRFDKFN

ClinVar aggregate classification (germline): Uncertain significance (1 of 4 stars; one submission).

Conditions:
Muscle AMP deaminase deficiency (MMDD). Also called: ADENOSINE MONOPHOSPHATE DEAMINASE-1 DEFICIENCY, MYOPATHY DUE TO; AMPD1 DEFICIENCY; Myoadenylate deaminase deficiency, myopathy due to; Adenosine monophosphate deaminase 1 deficiency; AMP deaminase 1 deficiency; Adenosine Monophosphate Deaminase 1. Identifiers: Orphanet 45, MedGen C3714933, MONDO:0014220, OMIM 615511.

Allele frequency attached by ClinVar (database versions not stated): ExAC 0.00003; gnomAD 0.00003; TOPMed 0.00003; ESP Exome Variant Server 0.00008.
gnomAD v4.1: 38 of 1,613,718 alleles (0.0024%); highest among the groups gnomAD compares: South Asian, 0.011%; no homozygotes.

Submission:

Labcorp Genetics (formerly Invitae), Labcorp
Classification: Uncertain significance for Muscle AMP deaminase deficiency. Last evaluated: 2021-02-21. Review status: criteria provided, single submitter. Criteria: Invitae Variant Classification Sherloc (09022015). Collection method: clinical testing. Allele origin: germline.
Comment: In summary, the available evidence is currently insufficient to determine the role of this variant in disease. Therefore, it has been classified as a Variant of Uncertain Significance. Algorithms developed to predict the effect of missense changes on protein structure and function are either unavailable or do not agree on the potential impact of this missense change (SIFT: "Deleterious"; PolyPhen-2: "Probably Damaging"; Align-GVGD: "Class C0"). This variant has not been reported in the literature in individuals with AMPD1-related conditions. This variant is present in population databases (rs372451247, ExAC 0.01%). This sequence change replaces arginine with histidine at codon 399 of the AMPD1 protein (p.Arg399His). The arginine residue is highly conserved and there is a small physicochemical difference between arginine and histidine.